The following is an entry in ClinVar:

NM_024675.4(PALB2):c.2365del (p.Leu789fs)

Gene: PALB2 (partner and localizer of BRCA2; minus strand). Cytogenetic location: 16p12.2.
Variant type: Deletion.
Coding change: c.2365del on transcript NM_024675.4 (MANE Select); coding-DNA position 2365, one base deleted (C; older notation c.2365delC).
Protein change: p.Leu789fs; shifts the reading frame from leucine 789.
Molecular consequence: frameshift variant. On other transcripts: intron variant (1).
Genome position (GRCh38, 1-based): chr16:23,629,789, G deleted on the plus strand (C on the coding strand, the reverse complement: PALB2 is on the minus strand); the first of 3 consecutive G bases (chr16:23,629,789-23,629,791); deleting any one gives the same sequence. VCF-style (leftmost placement, unchanged base first): chr16-23629788-AG-A. GRCh37 (hg19) VCF-style: chr16-23641109-AG-A.
Other names: c.2305del, p.Leu769fs (NM_001407296.1); c.2365del, p.Leu789fs (NM_001407297.1, NM_001407298.1, NM_001407299.1 and 3 more transcripts); c.2365delC (NM_024675.3); c.1480del, p.Leu494fs (NM_001407304.1, NM_001407305.1, NM_001407306.1 and 5 more transcripts); c.577del, p.Leu193fs (NM_001407312.1, NM_001407313.1); c.49-514del (NM_001407314.1); short protein forms L494fs, L193fs, L769fs, L789fs.
Identifiers: ClinVar variation 4130307 (VCV004130307.1).

ClinVar aggregate classification (germline): Pathogenic (1 of 4 stars; one submission).

Conditions:
Hereditary cancer-predisposing syndrome. Also called: Hereditary neoplastic syndrome; Neoplastic Syndromes, Hereditary; Tumor predisposition; Hereditary Cancer Syndrome. Identifiers: Orphanet 140162, MedGen C0027672, MeSH D009386, MONDO:0015356.

Submission:

Ambry Genetics
Classification: Pathogenic for Hereditary cancer-predisposing syndrome. Last evaluated: 2025-07-02. Review status: criteria provided, single submitter. Criteria: Ambry Variant Classification Scheme 2023. Collection method: clinical testing. Allele origin: germline.
Comment: The c.2365delC pathogenic mutation, located in coding exon 5 of the PALB2 gene, results from a deletion of one nucleotide at nucleotide position 2365, causing a translational frameshift with a predicted alternate stop codon (p.L789Cfs*62). This variant is considered to be rare based on population cohorts in the Genome Aggregation Database (gnomAD). This alteration is expected to result in loss of function by premature protein truncation or nonsense-mediated mRNA decay. As such, this alteration is interpreted as a disease-causing mutation.